The following is an entry in ClinVar:

NM_001365902.3(NFIX):c.400G>T (p.Val134Leu)

Gene: NFIX (nuclear factor I X; plus strand). Cytogenetic location: 19p13.13.
Variant type: single nucleotide variant.
Coding change: c.400G>T on transcript NM_001365902.3 (MANE Select); coding-DNA position 400, G replaced by T.
Protein change: p.Val134Leu; replaces valine 134 with leucine.
Molecular consequence: missense variant.
Genome position (GRCh38, 1-based): chr19:13,025,393, G>T. VCF-style: chr19-13025393-G-T. GRCh37 (hg19) VCF-style: chr19-13136207-G-T.
Other names: c.424G>T, p.Val142Leu (NM_001271043.2); c.376G>T, p.Val126Leu (NM_001271044.3, NM_001378404.1); c.400G>T, p.Val134Leu (NM_001365982.2, NM_002501.4); c.259G>T, p.Val87Leu (NM_001365983.2); c.397G>T, p.Val133Leu (NM_001365984.2, NM_001365985.2); c.448G>T, p.Val150Leu (NM_001378405.1); short protein forms V126L, V133L, V134L, V142L, V150L, V87L.
Identifiers: ClinVar variation 2500525 (VCV002500525.3), dbSNP rs929589127, ClinGen allele CA305548313.

ClinVar aggregate classification (germline): Conflicting classifications of pathogenicity. Review status: criteria provided, conflicting classifications (1 of 4 stars). 2 submissions from 2 submitters: Uncertain significance (1); Likely benign (1). Last evaluated 2024-06-03.

Conditions:
Marshall-Smith syndrome (MRSHSS). Identifiers: Orphanet 561, MedGen C0265211, MONDO:0011244, OMIM 602535.
Malan overgrowth syndrome (MALNS). Also called: MALAN SYNDROME; NFIX-Related Malan Syndrome; Sotos syndrome 2. Identifiers: Orphanet 420179, MedGen C3553660, MONDO:0013885, OMIM 614753.

Allele frequency attached by ClinVar (database versions not stated): gnomAD exomes below 0.00001; TOPMed 0.00002.
gnomAD v4.1: 1 of 1,614,058 alleles (0.000062%); highest among the groups gnomAD compares: Admixed American, 0.0017%; no homozygotes.

Submissions (2):

Labcorp Genetics (formerly Invitae), Labcorp
Classification: Likely benign for Malan overgrowth syndrome; Marshall-Smith syndrome. Last evaluated: 2024-06-03. Review status: criteria provided, single submitter. Criteria: Invitae Variant Classification Sherloc (09022015). Collection method: clinical testing. Allele origin: germline.

GeneDx
Classification: Uncertain significance. Last evaluated: 2022-11-01. Review status: criteria provided, single submitter. Criteria: GeneDx Variant Classification Process June 2021. Collection method: clinical testing. Allele origin: germline. Affected: yes.
Comment: Not observed at significant frequency in large population cohorts (gnomAD); In silico analysis supports that this missense variant has a deleterious effect on protein structure/function; Has not been previously published as pathogenic or benign to our knowledge